The following is an entry in ClinVar:

ClinVar aggregate classification (germline): Uncertain significance (1 of 4 stars; one submission).

Conditions:
Imerslund-Grasbeck syndrome. Also called: PERNICIOUS ANEMIA, JUVENILE, DUE TO SELECTIVE INTESTINAL MALABSORPTION OF VITAMIN B12, WITH PROTEINURIA; Megaloblastic anemia due to inborn errors of metabolism; ENTEROCYTE COBALAMIN MALABSORPTION; ENTEROCYTE INTRINSIC FACTOR RECEPTOR, DEFECT OF; Imerslund-Gräsbeck syndrome. Identifiers: Orphanet 35858, MedGen C4551825, MONDO:0009853.

Allele frequency attached by ClinVar (database versions not stated): ExAC 0.00002; gnomAD exomes 0.00001; TOPMed 0.00003.
gnomAD v4.1: 12 of 1,613,620 alleles (0.00074%); highest among the groups gnomAD compares: South Asian, 0.0033%; no homozygotes.

Submission:

Labcorp Genetics (formerly Invitae), Labcorp
Classification: Uncertain significance for Imerslund-Grasbeck syndrome. Last evaluated: 2023-07-31. Review status: criteria provided, single submitter. Criteria: Invitae Variant Classification Sherloc (09022015). Collection method: clinical testing. Allele origin: germline.
Comment: In summary, the available evidence is currently insufficient to determine the role of this variant in disease. Therefore, it has been classified as a Variant of Uncertain Significance. An algorithm developed to predict the effect of missense changes on protein structure and function (PolyPhen-2) suggests that this variant is likely to be disruptive. ClinVar contains an entry for this variant (Variation ID: 1381444). This variant has not been reported in the literature in individuals affected with CUBN-related conditions. This variant is present in population databases (rs770776726, gnomAD 0.003%). This sequence change replaces arginine, which is basic and polar, with cysteine, which is neutral and slightly polar, at codon 1695 of the CUBN protein (p.Arg1695Cys).

NM_001081.4(CUBN):c.5083C>T (p.Arg1695Cys)

Gene: CUBN (cubilin; minus strand). Cytogenetic location: 10p13.
Variant type: single nucleotide variant.
Coding change: c.5083C>T on transcript NM_001081.4 (MANE Select); coding-DNA position 5083, C replaced by T.
Protein change: p.Arg1695Cys; replaces arginine 1695 with cysteine.
Molecular consequence: missense variant.
Genome position (GRCh38, 1-based): chr10:16,948,604, G>A on the plus strand (C>T on the coding strand, the complement: CUBN is on the minus strand). VCF-style: chr10-16948604-G-A. GRCh37 (hg19) VCF-style: chr10-16990603-G-A.
Other names: short protein forms R1695C.
Identifiers: ClinVar variation 1381444 (VCV001381444.5), dbSNP rs770776726, ClinGen allele CA5424132.